The following is an entry in ClinVar:

ClinVar aggregate classification (germline): Pathogenic (1 of 4 stars; one submission).

Submission:

Labcorp Genetics (formerly Invitae), Labcorp
Classification: Pathogenic. Last evaluated: 2024-02-05. Review status: criteria provided, single submitter. Criteria: Invitae Variant Classification Sherloc (09022015). Collection method: clinical testing. Allele origin: germline.
Comment: This sequence change creates a premature translational stop signal (p.Asp224Valfs*2) in the SI gene. It is expected to result in an absent or disrupted protein product. Loss-of-function variants in SI are known to be pathogenic (PMID: 16329100, 23103650, 25452324). This variant is not present in population databases (gnomAD no frequency). This variant has not been reported in the literature in individuals affected with SI-related conditions. ClinVar contains an entry for this variant (Variation ID: 1996357). For these reasons, this variant has been classified as Pathogenic.

Literature cited by the submitters: PubMed 16329100; PubMed 23103650; PubMed 25452324.

NM_001041.4(SI):c.667_670dup (p.Asp224delinsValTer)

Gene: SI (sucrase-isomaltase; minus strand). Cytogenetic location: 3q26.1.
Variant type: Duplication.
Coding change: c.667_670dup on transcript NM_001041.4 (MANE Select); coding-DNA positions 667 to 670, 4 bases duplicated (TCTG; older notation c.667_670dupTCTG).
Protein change: p.Asp224delinsValTer.
Molecular consequence: nonsense.
Genome position (GRCh38, 1-based): chr3:165,065,398-165,065,401, CAGA duplicated on the plus strand (TCTG on the coding strand, the reverse complement: SI is on the minus strand). VCF-style (leftmost placement, unchanged base first): chr3-165065397-T-TCAGA. GRCh37 (hg19) VCF-style: chr3-164783185-T-TCAGA.
Identifiers: ClinVar variation 1996357 (VCV001996357.4), dbSNP rs2473427253, ClinGen allele CA2580069035.
Genomic context (GRCh38, chr3:165,065,397, plus strand): 5'-TGTTCTCCAATACCATAAATATAATCACTTGGAAGACGGGTTGAGATCTGTAAGTACTGG[T>TCAGA]CAGAGTACACTAAGGGACCAATGCTGGTGTCAAACCTGCACCATAAAAGAAATAAAGAAA-3'